The following is an entry in ClinVar:

ClinVar aggregate classification (germline): Uncertain significance (1 of 4 stars; one submission).

Conditions:
Pheochromocytoma. Also called: MAX-Related Hereditary Paraganglioma-Pheochromocytoma Syndrome. Identifiers: Orphanet 29072, MedGen C0031511, MONDO:0008233, OMIM 171300, HP:0002666.
Pheochromocytoma/paraganglioma syndrome 4. Also called: CAROTID BODY TUMORS AND MULTIPLE EXTRAADRENAL PHEOCHROMOCYTOMAS; PARAGANGLIOMA, FAMILIAL MALIGNANT; PARAGANGLIOMAS, HEREDITARY EXTRAADRENAL; PHEOCHROMOCYTOMA, FAMILIAL EXTRAADRENAL; Paragangliomas 4; SDHB-Related Hereditary Paraganglioma-Pheochromocytoma Syndrome (Paragangliomas 4). Identifiers: Orphanet 29072, MedGen C1861848, MONDO:0007273, OMIM 115310.
Gastrointestinal stromal tumor. Also called: Gastrointestinal stromal tumor, somatic; Gastrointestinal stroma tumor. Identifiers: Orphanet 44890, MedGen C0238198, MeSH D046152, MONDO:0011719, OMIM 606764, HP:0100723.

Submission:

Labcorp Genetics (formerly Invitae), Labcorp
Classification: Uncertain significance for Gastrointestinal stromal tumor; Pheochromocytoma/paraganglioma syndrome 4; Pheochromocytoma. Last evaluated: 2024-07-30. Review status: criteria provided, single submitter. Criteria: Invitae Variant Classification Sherloc (09022015). Collection method: clinical testing. Allele origin: germline.
Comment: This sequence change falls in intron 5 of the SDHB gene. It does not directly change the encoded amino acid sequence of the SDHB protein. This variant is not present in population databases (gnomAD no frequency). This variant has not been reported in the literature in individuals affected with SDHB-related conditions. Algorithms developed to predict the effect of sequence changes on RNA splicing suggest that this variant may disrupt the consensus splice site. In summary, the available evidence is currently insufficient to determine the role of this variant in disease. Therefore, it has been classified as a Variant of Uncertain Significance.

NM_003000.3(SDHB):c.540+7A>C

Gene: SDHB (succinate dehydrogenase complex iron sulfur subunit B; minus strand). Cytogenetic location: 1p36.13.
Variant type: single nucleotide variant.
Coding change: c.540+7A>C on transcript NM_003000.3 (MANE Select); 7 bases into the intron after coding-DNA position 540, A replaced by C.
Molecular consequence: intron variant.
Genome position (GRCh38, 1-based): chr1:17,027,742, T>G on the plus strand (A>C on the coding strand, the complement: SDHB is on the minus strand). VCF-style: chr1-17027742-T-G. GRCh37 (hg19) VCF-style: chr1-17354237-T-G.
Other names: c.486+7A>C (NM_001407361.1).
Identifiers: ClinVar variation 3763197 (VCV003763197.2).